The following is an entry in ClinVar:

NM_001382391.1(CSPP1):c.3586C>T (p.Arg1196Cys)

Genes: ARFGEF1 (ARF guanine nucleotide exchange factor 1; minus strand), CSPP1 (centrosome and spindle pole associated protein 1; plus strand). Cytogenetic location: 8q13.2.
Variant type: single nucleotide variant.
Coding change: c.3586C>T on transcript NM_001382391.1 (MANE Select); coding-DNA position 3586, C replaced by T.
Protein change: p.Arg1196Cys; replaces arginine 1196 with cysteine.
Molecular consequence: missense variant. On other transcripts: 3 prime UTR variant (1), intron variant (2).
Genome position (GRCh38, 1-based): chr8:67,195,498, C>T. VCF-style: chr8-67195498-C-T. GRCh37 (hg19) VCF-style: chr8-68107733-C-T.
Other names: c.2536C>T, p.Arg846Cys (NM_001291339.2); c.3505C>T, p.Arg1169Cys (NM_001363131.2); c.3391C>T, p.Arg1131Cys (NM_001363132.2); c.3310C>T, p.Arg1104Cys (NM_001363133.2); c.3652C>T, p.Arg1218Cys (NM_001364869.1); c.3472C>T, p.Arg1158Cys (NM_001364870.1); c.3418C>T, p.Arg1140Cys (NM_001438330.1); c.*78C>T (NM_001438331.1); and 4 more; short protein forms R1104C, R1131C, R1158C, R1169C, R1191C, R1196C, R1218C, R846C.
Identifiers: ClinVar variation 2499428 (VCV002499428.1), dbSNP rs759903681, ClinGen allele CA4771218.
Genomic context (GRCh38, chr8:67,195,498, plus strand): 5'-GGATCAAACTCTGTAGCAACTGAGCCCTGGCTCCGCCCTGGCACTTCAGAAACGCTGAAA[C>T]GTTTCATGGCAGAGCAGCTGAACCAGGAGCAGCAGCAGATTCCTGGAAAACCAGGCACTT-3'
Protein context (NP_001369320.1, residues 1186-1206): LRPGTSETLK[Arg1196Cys]FMAEQLNQEQ

ClinVar aggregate classification (germline): Uncertain significance (1 of 4 stars; one submission).

Allele frequency attached by ClinVar (database versions not stated): TOPMed below 0.00001; ExAC 0.00002.
gnomAD v4.1: 6 of 1,614,206 alleles (0.00037%); highest among the groups gnomAD compares: South Asian, 0.0033%; no homozygotes.

Submission:

GeneDx
Classification: Uncertain significance. Last evaluated: 2022-10-17. Review status: criteria provided, single submitter. Criteria: GeneDx Variant Classification Process June 2021. Collection method: clinical testing. Allele origin: germline. Affected: yes.
Comment: Not observed at significant frequency in large population cohorts (gnomAD); In silico analysis supports that this missense variant has a deleterious effect on protein structure/function; Has not been previously published as pathogenic or benign to our knowledge